The following is an entry in ClinVar:

NM_000342.4(SLC4A1):c.1064_1070del (p.Asp355fs)

Gene: SLC4A1 (solute carrier family 4 member 1 (Diego blood group); minus strand). Cytogenetic location: 17q21.31.
Variant type: Deletion.
Coding change: c.1064_1070del on transcript NM_000342.4 (MANE Select); coding-DNA positions 1064 to 1070, 7 bases deleted (ACTCCAG; older notation c.1064_1070delACTCCAG).
Protein change: p.Asp355fs; shifts the reading frame from aspartic acid 355.
Molecular consequence: frameshift variant.
Genome position (GRCh38, 1-based): chr17:44,258,430-44,258,436, CTGGAGT deleted on the plus strand (ACTCCAG on the coding strand, the reverse complement: SLC4A1 is on the minus strand); deleting any 7 consecutive bases within chr17:44,258,430-44,258,440 gives the same sequence; the c. name uses the placement nearest the transcript's 3' end. VCF-style (leftmost placement, unchanged base first): chr17-44258429-GCTGGAGT-G. GRCh37 (hg19) VCF-style: chr17-42335797-GCTGGAGT-G.
Other names: short protein forms D355fs.
Identifiers: ClinVar variation 5040453 (VCV005040453.1).

ClinVar aggregate classification (germline): Pathogenic (1 of 4 stars; one submission).

Submission:

CeGaT Center for Human Genetics Tuebingen
Classification: Pathogenic. Last evaluated: 2026-08-01. Review status: criteria provided, single submitter. Criteria: CeGaT Center For Human Genetics Tuebingen Variant Classification Criteria Version 2. Collection method: clinical testing. Allele origin: germline. Affected: yes. Observed: 1 variant allele.
Comment: SLC4A1: PVS1, PM2